The following is an entry in ClinVar:

NM_022893.4(BCL11A):c.1078del (p.Leu360fs)

Gene: BCL11A (BCL11 transcription factor A; minus strand). Cytogenetic location: 2p16.1.
Variant type: Deletion.
Coding change: c.1078del on transcript NM_022893.4 (MANE Select); coding-DNA position 1078, one base deleted (C; older notation c.1078delC).
Protein change: p.Leu360fs; shifts the reading frame from leucine 360.
Molecular consequence: frameshift variant. On other transcripts: intron variant (1).
Genome position (GRCh38, 1-based): chr2:60,461,834, G deleted on the plus strand (C on the coding strand, the reverse complement: BCL11A is on the minus strand); the first of 7 consecutive G bases (chr2:60,461,834-60,461,840); deleting any one gives the same sequence. VCF-style (leftmost placement, unchanged base first): chr2-60461833-AG-A. GRCh37 (hg19) VCF-style: chr2-60688968-AG-A.
Other names: c.976del, p.Leu326fs (NM_001363864.1, NM_001365609.1); c.1078del, p.Leu360fs (NM_018014.4); c.630+448del (NM_138559.2); c.1078del (NM_022893.3); short protein forms L326fs, L360fs.
Identifiers: ClinVar variation 987079 (VCV000987079.5), dbSNP rs768799046, ClinGen allele CA426417530.

ClinVar aggregate classification (germline): Pathogenic. Review status: criteria provided, multiple submitters, no conflicts (2 of 4 stars). 3 submissions from 3 submitters: Pathogenic (3). Last evaluated 2026-08-11.

Conditions:
Dias-Logan syndrome. Also called: INTELLECTUAL DEVELOPMENTAL DISORDER WITH HEREDITARY PERSISTENCE OF FETAL HEMOGLOBIN; Intellectual developmental disorder with persistence of fetal hemoglobin. Identifiers: Orphanet 619233, MedGen C4310833, MONDO:0014914, OMIM 617101.

Submissions (3):

GeneDx
Classification: Pathogenic. Last evaluated: 2026-08-11. Review status: criteria provided, single submitter. Criteria: GeneDx Variant Classification Process June 2021. Collection method: clinical testing. Allele origin: germline.
Comment: Frameshift variant predicted to result in abnormal protein length as the last 476 amino acid are replaced with 60 different amino acids, and other similar variants have been reported in HGMD; Not observed at significant frequency in large population cohorts (gnomAD); Has not been previously published as pathogenic or benign to our knowledge

Institute of Immunology and Genetics Kaiserslautern
Classification: Pathogenic for Dias-Logan syndrome. Last evaluated: 2025-06-03. Review status: criteria provided, single submitter. Criteria: ACMG Guidelines, 2015. Collection method: clinical testing. Allele origin: de novo. Affected: yes.
Comment: ACMG Criteria: PVS1, PS2, PM2, PP5; Variant was found in heterozygous state. De novo-status was confirmed via in-house segregation analysis.

Institute of Medical Genetics and Applied Genomics, University Hospital Tübingen
Classification: Pathogenic. Last evaluated: 2020-10-23. Review status: criteria provided, single submitter. Criteria: ACMG Guidelines, 2015. Collection method: clinical testing. Allele origin: germline. Inheritance: Unknown mechanism. Affected: yes.